The following is an entry in ClinVar:

NM_207118.3(GTF2H5):c.20G>A (p.Gly7Glu)

Gene: GTF2H5 (general transcription factor IIH subunit 5; plus strand). Cytogenetic location: 6q25.3.
Variant type: single nucleotide variant.
Coding change: c.20G>A on transcript NM_207118.3 (MANE Select); coding-DNA position 20, G replaced by A.
Protein change: p.Gly7Glu; replaces glycine 7 with glutamic acid.
Molecular consequence: missense variant.
Genome position (GRCh38, 1-based): chr6:158,170,523, G>A. VCF-style: chr6-158170523-G-A. GRCh37 (hg19) VCF-style: chr6-158591555-G-A.
Other names: short protein forms G7E.
Identifiers: ClinVar variation 3629077 (VCV003629077.3).

ClinVar aggregate classification (germline): Uncertain significance. Review status: criteria provided, multiple submitters, no conflicts (2 of 4 stars). 2 submissions from 2 submitters: Uncertain significance (2). Last evaluated 2024-12-20.

Submissions (2):

GeneDx
Classification: Uncertain significance. Last evaluated: 2024-12-20. Review status: criteria provided, single submitter. Criteria: GeneDx Variant Classification Process June 2021. Collection method: clinical testing. Allele origin: germline. Affected: yes.
Comment: Not observed at significant frequency in large population cohorts (gnomAD); In silico analysis supports that this missense variant has a deleterious effect on protein structure/function; Has not been previously published as pathogenic or benign to our knowledge

Labcorp Genetics (formerly Invitae), Labcorp
Classification: Uncertain significance. Last evaluated: 2024-10-30. Review status: criteria provided, single submitter. Criteria: Invitae Variant Classification Sherloc (09022015). Collection method: clinical testing. Allele origin: germline.
Comment: This sequence change replaces glycine, which is neutral and non-polar, with glutamic acid, which is acidic and polar, at codon 7 of the GTF2H5 protein (p.Gly7Glu). This variant is present in population databases (no rsID available, gnomAD 0.0009%). This variant has not been reported in the literature in individuals affected with GTF2H5-related conditions. An algorithm developed to predict the effect of missense changes on protein structure and function (PolyPhen-2) suggests that this variant is likely to be disruptive. In summary, the available evidence is currently insufficient to determine the role of this variant in disease. Therefore, it has been classified as a Variant of Uncertain Significance.